The following is an entry in ClinVar:

NM_000038.6(APC):c.4669_4670del (p.Thr1556_Ile1557insTer)

Gene: APC (APC regulator of Wnt signaling pathway; plus strand). Cytogenetic location: 5q22.2.
Variant type: Deletion.
Coding change: c.4669_4670del on transcript NM_000038.6 (MANE Select); coding-DNA positions 4669 to 4670, 2 bases deleted (AT; older notation c.4669_4670delAT).
Protein change: p.Thr1556_Ile1557insTer.
Molecular consequence: nonsense.
Genome position (GRCh38, 1-based): chr5:112,840,263-112,840,264, AT deleted; deleting any 2 consecutive bases within chr5:112,840,262-112,840,264 gives the same sequence; the c. name uses the placement nearest the transcript's 3' end. VCF-style (leftmost placement, unchanged base first): chr5-112840261-CTA-C. GRCh37 (hg19) VCF-style: chr5-112175958-CTA-C.
Other names: NM_000038.6(APC):c.4669_4670del; p.Thr1556_Ile1557insTer; c.4723_4724del, p.Thr1574_Ile1575insTer (NM_001354896.2); c.4699_4700del, p.Thr1566_Ile1567insTer (NM_001354897.2); c.4594_4595del, p.Thr1531_Ile1532insTer (NM_001354898.2); c.4585_4586del, p.Thr1528_Ile1529insTer (NM_001354899.2); c.4546_4547del, p.Thr1515_Ile1516insTer (NM_001354900.2); c.4492_4493del, p.Thr1497_Ile1498insTer (NM_001354901.2); and 8 more.
Identifiers: ClinVar variation 183857 (VCV000183857.20), dbSNP rs786201118, ClinGen allele CA009682.

ClinVar aggregate classification (germline): Pathogenic. Review status: reviewed by expert panel (3 of 4 stars). 7 submissions from 7 submitters: Pathogenic (1). 6 of the submissions do not count toward it. Last evaluated 2025-05-19.

Conditions:
Hereditary cancer-predisposing syndrome. Also called: Tumor predisposition; Hereditary Cancer Syndrome; Hereditary neoplastic syndrome; Neoplastic Syndromes, Hereditary. Identifiers: Orphanet 140162, MedGen C0027672, MeSH D009386, MONDO:0015356.
Familial adenomatous polyposis 1 (FAP1). Also called: FAMILIAL ADENOMATOUS POLYPOSIS 1, ATTENUATED; POLYPOSIS, ADENOMATOUS INTESTINAL. Identifiers: MedGen C2713442, MONDO:0021056, OMIM 175100. Disease mechanism: loss of function.

Submissions (7):

ClinGen InSiGHT Hereditary Colorectal Cancer/Polyposis Variant Curation Expert Panel
Classification: Pathogenic for Familial adenomatous polyposis 1. Last evaluated: 2025-05-19. Review status: reviewed by expert panel. Criteria: ClinGen InSiGHT HCCP VCEP ACMG Specifications APC V1. Collection method: curation. Allele origin: germline. Inheritance: Autosomal dominant inheritance.
Comment: The NM_000038.6(APC):c.4669_4670del (p.Ile1557Ter) variant in APC is a nonsense variant located between codon 49 and 2645 and predicted to cause a premature stop codon in exon 16 in a gene in which loss-of-function is an established disease mechanism (PVS1). The total minor allele frequency in gnomAD v2.1.1 (non-cancer) is 0.000004 (1/250082 alleles), which is lower than the ClinGen InSiGHT Hereditary Colorectal Cancer/Polyposis VCEP (HCCP VCEP) threshold of < 0.001% (0.00001) for PM2_Supporting if the allele count is ≤ 1 and therefore meets this criterion (PM2_Supporting). This variant has been reported in 1 proband meeting phenotypic criteria, resulting in a total phenotype score of 1 point (PS4_Supporting [PMID: 17135276]). The variant is reported in two additional probands with a colorectal cancer/polyposis associated phenotype not meeting phenotypic criteria (PMID: 15108288 and LOVD individual ID 00014662). In summary, this variant meets the criteria to be classified as Pathogenic for autosomal-dominant inherited FAP based on the ACMG/AMP criteria applied, as specified by the HCCP VCEP: criteria PVS1, PS4_Supporting and PM2_Supporting applied (VCEP specifications v2.0.3; date of approval 7/24/2023).

Labcorp Genetics (formerly Invitae), Labcorp
Classification: Pathogenic for Familial adenomatous polyposis 1. Last evaluated: 2025-09-21. Review status: criteria provided, single submitter. Criteria: Invitae Variant Classification Sherloc (09022015). Collection method: clinical testing. Allele origin: germline. Not counted in ClinVar's aggregate classification.
Comment: This sequence change creates a premature translational stop signal (p.Ile1557*) in the APC gene. While this is not anticipated to result in nonsense mediated decay, it is expected to disrupt the last 1287 amino acid(s) of the APC protein. This variant is present in population databases (rs786201118, gnomAD 0.0009%). This premature translational stop signal has been observed in individual(s) with familial adenomatous polyposis (PMID: 15108288). ClinVar contains an entry for this variant (Variation ID: 183857). This variant is expected to disrupt the EB1 and HDLG binding sites, which mediate interactions with the cytoskeleton (PMID: 15311282, 17293347). While functional studies have not been performed to directly test the effect on APC protein function, this suggests that disruption of the C-terminal portion of the protein is functionally important. A different truncation (p.Tyr2645Lysfs*14) that lies downstream of this variant has been determined to be pathogenic (PMID: 9824584, 1316610, 27081525, 8381579, 22135120, internal data). This suggests that deletion of this region of the APC protein is causative of disease. For these reasons, this variant has been classified as Pathogenic.

Molecular Diagnostics Laboratory, Catalan Institute of Oncology
Classification: Pathogenic for Hereditary cancer-predisposing syndrome. Last evaluated: 2024-11-17. Review status: criteria provided, single submitter. Criteria: ClinGen ACMG Specifications APC V1.0.0. Collection method: clinical testing. Allele origin: germline. Not counted in ClinVar's aggregate classification.
Comment: PVS1, PS4_Supporting, PM2_Supporting c.4669_4670del, located in exon 15 of the APC gene, consists in the deletion of two nucleotides, causing a predicted alternate stop codon, p.(Ile1557*).This alteration is expected to result in loss of function by premature protein truncation and nonsense-mediated mRNA decay (PVS1). This variant is found in 1/ 235748 in the gnomAD v2.1.1 database, non cancer dataset (PM2_supporting). The SpliceAI algorithm predicts no significant impact on splicing. To our knowledge, functional studies have not been reported for this variant. Also, the variant has been identified in ClinVar (5x pathogenic) and in the LOVD (2x pathogenic) databases. Based on currently available information, the variant c.4669_4670del is classified as a pathogenic variant according to ClinGen-APC Guidelines version 1.

KCCC/NGS Laboratory, Kuwait Cancer Control Center
Classification: Pathogenic for Familial adenomatous polyposis 1. Last evaluated: 2023-07-07. Review status: criteria provided, single submitter. Criteria: ACMG Guidelines, 2015. Collection method: clinical testing. Allele origin: unknown. Affected: yes. Not counted in ClinVar's aggregate classification.
Comment: This sequence change results in a premature translational stop signal in the APC gene (p.Ile1557*). It is expected to disrupt the last 1287 amino acids of the APC protein. This variant is not present in population databases (ExAC no frequency). This variant has been observed in an individual affected with familial adenomatous polyposis (PMID: 15108288). ClinVar contains an entry for this variant (Variation ID: 183857) with 3 submissions, two stars, and no conflict. Publishe functional analyses show this variant is expected to disrupt the EB1 and HDLG binding sites (PMID: 15311282, 17293347). Another truncating variant (p.Tyr2645Lysfs*14) that lies downstream of this variant has been determined to be pathogenic (PMID: 9824584, 1316610, 27081525, 8381579, 22135120). Therefore, this variant is classified as pathogenic.

Myriad Genetics, Inc.
Classification: Pathogenic for Familial adenomatous polyposis 1. Last evaluated: 2023-05-11. Review status: criteria provided, single submitter. Criteria: Myriad Autosomal Dominant, Autosomal Recessive and X-Linked Classification Criteria (2023). Collection method: clinical testing. Allele origin: unknown. Not counted in ClinVar's aggregate classification.
Comment: This variant is considered pathogenic. This variant creates a termination codon and is predicted to result in premature protein truncation.

GeneDx
Classification: Pathogenic. Last evaluated: 2016-07-20. Review status: criteria provided, single submitter. Criteria: GeneDx Variant Classification (06012015). Collection method: clinical testing. Allele origin: germline. Affected: yes. Not counted in ClinVar's aggregate classification.
Comment: This deletion of two nucleotides is denoted APC c.4669_4670delAT at the cDNA level and p.Ile1557Ter (I1557X) at the protein level. The normal sequence, with the bases that are deleted in braces, is AACT[AT]TGAT. The deletion creates a nonsense variant, which changes an Isoleucine to a premature stop codon. Even though nonsense-mediated decay is not expected to occur due to the position of the variant, it is significant since the last 1287 amino acids are no longer translated correctly and is predicted to cause loss of normal protein function through protein truncation. The lost residues disrupt part of the beta-catenin down-regulating domain, axin binding domain, basic domain, EB1 binding domain and hDLg binding domain (Azzopardi 2008). APC c.4669_4670delAT has been observed in individuals with familial adenomatous polyposis (FAP) with reported features including colonic polyposis, osteomas and desmoids (De Rosa 2004, Latchford 2007). This variant is considered pathogenic.

Ambry Genetics
Classification: Pathogenic for Hereditary cancer-predisposing syndrome. Last evaluated: 2014-11-11. Review status: criteria provided, single submitter. Criteria: Ambry Variant Classification Scheme 2023. Collection method: clinical testing. Allele origin: germline. Not counted in ClinVar's aggregate classification.
Comment: Thec.4669_4670delAT mutation, located in coding exon 15 of theAPC gene, results from a deletion of 2 nucleotides at positions 4669 and 4670, causing a translational frameshift with a predicted alternate stop codon. This mutation has been reported in patients with FAP (De Rosa M et al.Hum Mutat. 2004;23(5):523-524; Latchford A et al. Hum Mol Genet. 2007 Jan 1;16(1):78-82). In addition to the clinical data presented in the literature, since frameshifts are typically deleterious in nature, this alteration is interpreted as a disease-causing mutation (ACMG Recommendations for Standards for Interpretation and Reporting of Sequence Variations. Revision 2007.Genet Med 2008;10:294).

Literature cited by the submitters: PubMed 15108288 (cited by Labcorp Genetics (formerly Invitae), Labcorp); PubMed 15311282 (cited by Labcorp Genetics (formerly Invitae), Labcorp); PubMed 17293347 (cited by Labcorp Genetics (formerly Invitae), Labcorp); PubMed 9824584 (cited by Labcorp Genetics (formerly Invitae), Labcorp); PubMed 1316610 (cited by Labcorp Genetics (formerly Invitae), Labcorp); PubMed 27081525 (cited by Labcorp Genetics (formerly Invitae), Labcorp); PubMed 8381579 (cited by Labcorp Genetics (formerly Invitae), Labcorp); PubMed 22135120 (cited by Labcorp Genetics (formerly Invitae), Labcorp).